The following is an entry in ClinVar:

ClinVar aggregate classification (germline): Uncertain significance (1 of 4 stars; one submission).

Conditions:
Autosomal recessive limb-girdle muscular dystrophy type 2O. Also called: Limb-Girdle Muscular Dystrophy Type 3C; MUSCULAR DYSTROPHY-DYSTROGLYCANOPATHY (LIMB-GIRDLE), TYPE C, 3; MUSCULAR DYSTROPHY-DYSTROGLYCANOPATHY, LIMB-GIRDLE, POMGNT1-RELATED. Identifiers: Orphanet 206564, MedGen C3150417, MONDO:0013161, OMIM 613157.
Muscular dystrophy-dystroglycanopathy (congenital with impaired intellectual development), type B, 3. Also called: Muscular dystrophy-dystroglycanopathy (congenital with intellectual disability), type B3; MUSCULAR DYSTROPHY, CONGENITAL, POMGNT1-RELATED. Identifiers: MedGen C3150412, MONDO:0013155, OMIM 613151.

Allele frequency attached by ClinVar (database versions not stated): gnomAD exomes below 0.00001 and 0.00001; TOPMed below 0.00001; ExAC 0.00001.
gnomAD v4.1: 5 of 1,614,076 alleles (0.00031%); highest among the groups gnomAD compares: South Asian, 0.0033%; no homozygotes.

Submission:

Labcorp Genetics (formerly Invitae), Labcorp
Classification: Uncertain significance for Autosomal recessive limb-girdle muscular dystrophy type 2O; Muscular dystrophy-dystroglycanopathy (congenital with impaired intellectual development), type B, 3. Last evaluated: 2022-06-04. Review status: criteria provided, single submitter. Criteria: Invitae Variant Classification Sherloc (09022015). Collection method: clinical testing. Allele origin: germline.
Comment: This sequence change replaces arginine, which is basic and polar, with tryptophan, which is neutral and slightly polar, at codon 33 of the POMGNT1 protein (p.Arg33Trp). This variant is present in population databases (rs750839370, gnomAD 0.003%). This variant has not been reported in the literature in individuals affected with POMGNT1-related conditions. ClinVar contains an entry for this variant (Variation ID: 1496716). Advanced modeling of protein sequence and biophysical properties (such as structural, functional, and spatial information, amino acid conservation, physicochemical variation, residue mobility, and thermodynamic stability) performed at Invitae indicates that this missense variant is not expected to disrupt POMGNT1 protein function. In summary, the available evidence is currently insufficient to determine the role of this variant in disease. Therefore, it has been classified as a Variant of Uncertain Significance.

NM_017739.4(POMGNT1):c.97C>T (p.Arg33Trp)

Gene: POMGNT1 (protein O-linked mannose N-acetylglucosaminyltransferase 1 (beta 1,2-); minus strand). Cytogenetic location: 1p34.1.
Variant type: single nucleotide variant.
Coding change: c.97C>T on transcript NM_017739.4 (MANE Select); coding-DNA position 97, C replaced by T.
Protein change: p.Arg33Trp; replaces arginine 33 with tryptophan.
Molecular consequence: missense variant.
Genome position (GRCh38, 1-based): chr1:46,197,725, G>A on the plus strand (C>T on the coding strand, the complement: POMGNT1 is on the minus strand). VCF-style: chr1-46197725-G-A. GRCh37 (hg19) VCF-style: chr1-46663397-G-A.
Other names: c.97C>T, p.Arg33Trp (NM_001243766.2); short protein forms R33W.
Identifiers: ClinVar variation 1496716 (VCV001496716.3), dbSNP rs750839370, ClinGen allele CA833886.